The following is an entry in ClinVar:

NM_144997.7(FLCN):c.1285dup (p.His429fs)

Gene: FLCN (folliculin; minus strand). Cytogenetic location: 17p11.2.
Variant type: Duplication.
Coding change: c.1285dup on transcript NM_144997.7 (MANE Select); coding-DNA position 1285, one base duplicated (C; older notation c.1285dupC).
Protein change: p.His429fs; shifts the reading frame from histidine 429.
Molecular consequence: frameshift variant.
Genome position (GRCh38, 1-based): chr17:17,216,395, G duplicated on the plus strand (C on the coding strand, the reverse complement: FLCN is on the minus strand); the first of 8 consecutive G bases (chr17:17,216,395-17,216,402); duplicating any one gives the same sequence. VCF-style (leftmost placement, unchanged base first): chr17-17216394-T-TG. GRCh37 (hg19) VCF-style: chr17-17119708-T-TG.
Other names: p.His429Profs*27; c.1285dupC (NM_144997.7); c.1285dup, p.His429delinsProArgfs (LRG_325t1); c.1285dup (NM_144997.5, NM_144997.6); c.1339dup, p.His447fs (NM_001353229.2); c.1285dup, p.His429fs (NM_001353230.2, NM_001353231.2); c.1285_1286insC (NM_144997.5); short protein forms H447fs, H429fs.
Identifiers: ClinVar variation 3363 (VCV000003363.97), dbSNP rs80338682, ClinGen allele CA090951.

ClinVar aggregate classification (germline): Pathogenic. Review status: criteria provided, multiple submitters, no conflicts (2 of 4 stars). 37 submissions from 36 submitters: Pathogenic (32). 5 of the submissions do not count toward it. Last evaluated 2026-10-22.
ClinVar aggregate classification (oncogenicity): Oncogenic (1 of 4 stars; one submission).

Conditions:
Birt-Hogg-Dube syndrome 1 (BHD1). Also called: FIBROFOLLICULOMAS WITH TRICHODISCOMAS AND ACROCHORDONS. Identifiers: Orphanet 122, MedGen CN375946, MONDO:0800445, OMIM 135150.
Inherited renal cancer.
Familial spontaneous pneumothorax (PSP). Identifiers: Orphanet 2903, MedGen C1868193, MONDO:0008259, OMIM 173600.
Birt-Hogg-Dube syndrome. Also called: Birt Hogg Dubé syndrome. Identifiers: Orphanet 122, MedGen C0346010, MONDO:0800444.
Colorectal cancer. Also called: Colorectal cancer, somatic; Malignant Colorectal Neoplasm. Identifiers: MedGen C0346629, MONDO:0005575, OMIM 114500.
Nonpapillary renal cell carcinoma. Identifiers: Orphanet 422526, MedGen CN074294, MONDO:0007763, OMIM 144700.
17p11.2 microduplication syndrome (PTLS). Also called: CHROMOSOME 17p11.2 DUPLICATION SYNDROME; Potocki-Lupski syndrome; Duplication 17p11.2 syndrome; Potocki-Lupski syndrome (dup(17)(p11.2p11.2)). Identifiers: Orphanet 1713, MedGen C2931246, MONDO:0012574, OMIM 610883.
FLCN-related disorders.
FLCN-related disorder. Also called: FLCN-related condition.
Hereditary cancer-predisposing syndrome. Also called: Hereditary neoplastic syndrome; Neoplastic Syndromes, Hereditary; Hereditary Cancer Syndrome; Tumor predisposition. Identifiers: Orphanet 140162, MedGen C0027672, MeSH D009386, MONDO:0015356.
Neoplasm. Also called: Neoplasms; Neoplasm (disease); tumor. Identifiers: MedGen C0027651, MeSH D009369, MONDO:0005070, HP:0002664.

Submissions 1 to 9 of 38:

Department of Medical Genetics, Hatay Education and Research Hospital
Classification: Pathogenic for Birt-Hogg-Dube syndrome 1. Last evaluated: 2026-10-22. Review status: criteria provided, single submitter. Criteria: ACMG Guidelines, 2015. Collection method: clinical testing. Allele origin: germline. Affected: yes. Observed: 5 variant alleles.
Comment: The c.1285dup (p.His429fs) variant in the FLCN gene (NM_144997.7) occurs within a polycytosine tract (C8 mononucleotide stretch) in exon 11 (exon 8 coding region), which represents a well-known mutational hotspot for FLCN. This frameshift duplication introduces a premature termination codon, predicted to cause loss of function via nonsense-mediated mRNA decay or a truncated protein product (PVS1). The variant is extremely rare in control populations (PM2_Supporting). Identified in individuals presenting with phenotypes highly specific for Birt-Hogg-Dubé (BHD) syndrome (PP4), this variant has been well documented in the literature across numerous independent BHD cohorts and families (PS4_Moderate; PMID: 12204536, 12471204, 15852235, 17496196, 18234728, 18505456, 19562744, 20522427, 21538689, 23784378, 26028485, 26402642, 27220747, 27905298, 27734835, 29357828, 29548312, 30586397, 30360018, 31471370, 31958439, 33137092, 33294559, 34008892, 35221599, 35578266, 35946080, 37520842, 20301695, 38552456). It is also well represented in ClinVar (Variation ID: 3363) with multiple pathogenic assertions. Based on the ACMG/AMP guidelines and extensive clinical and literature evidence, this variant is classified as Pathogenic for Birt-Hogg-Dubé syndrome.

CeGaT Center for Human Genetics Tuebingen
Classification: Pathogenic. Last evaluated: 2026-08-01. Review status: criteria provided, single submitter. Criteria: CeGaT Center For Human Genetics Tuebingen Variant Classification Criteria Version 2. Collection method: clinical testing. Allele origin: germline. Affected: yes. Observed: 5 variant alleles.
Comment: FLCN: PVS1, PP1:Strong, PS4:Moderate, PP4

Victorian Clinical Genetics Services, Murdoch Childrens Research Institute
Classification: Pathogenic for Birt-Hogg-Dube syndrome 1. Last evaluated: 2026-03-20. Review status: criteria provided, single submitter. Criteria: ACMG Guidelines, 2015. Collection method: clinical testing. Allele origin: germline. Affected: yes.
Comment: This variant is classified as Pathogenic. Evidence in support of pathogenic classification: Variant is predicted to cause nonsense-mediated decay (NMD) and loss of protein (premature termination codon is located at least 54 nucleotides upstream of the final exon-exon junction); Variant is present in gnomAD <0.001 for a dominant condition (v4: 111 heterozygote(s), 0 homozygote(s)); This variant has strong previous evidence of pathogenicity in unrelated individuals. The c.1285dupC variant, along with the c.1285delC variant, are the most common pathogenic variants in FLCN and have been reported in 20-24% of families with Birt-Hogg-Dube syndrome (PMID: 20301695); Other NMD-predicted variants comparable to the one identified in this case have very strong previous evidence for pathogenicity. There are at least 10 NMD-predicted likely pathogenic/pathogenic variants in ClinVar. Additional information: This variant is heterozygous; This gene is associated with autosomal dominant disease; Loss of function is a known mechanism of disease in this gene and is associated with Birt-Hogg-Dube syndrome 1 (MONDO:0800445); Variants in this gene are known to have variable expressivity (OMIM); Inheritance information for this variant is not currently available in this individual.

Department of Clinical Genetics, Copenhagen University Hospital, Rigshospitalet
Classification: Pathogenic for Birt-Hogg-Dube syndrome. Last evaluated: 2026-02-10. Review status: criteria provided, single submitter. Criteria: ACMG Guidelines, 2015. Collection method: clinical testing. Allele origin: germline.
Comment: The following ACMG criteria has been used: PVS1; PS4; PP1

Labcorp Genetics (formerly Invitae), Labcorp
Classification: Pathogenic for Birt-Hogg-Dube syndrome. Last evaluated: 2026-02-03. Review status: criteria provided, single submitter. Criteria: Invitae Variant Classification Sherloc (09022015). Collection method: clinical testing. Allele origin: germline.
Comment: This sequence change creates a premature translational stop signal (p.His429Profs*27) in the FLCN gene. It is expected to result in an absent or disrupted protein product. Loss-of-function variants in FLCN are known to be pathogenic (PMID: 15852235). The frequency data for this variant in the population databases is considered unreliable, as metrics indicate poor data quality at this position in the gnomAD database. This premature translational stop signal has been observed in individual(s) with Birt-Hogg-Dubé (BHD) syndrome (PMID: 12204536, 12471204, 17496196, 20522427). It has also been observed to segregate with disease in related individuals. This variant is also known as 1733insC, 1740dupC, and 1277insC. ClinVar contains an entry for this variant (Variation ID: 3363). For these reasons, this variant has been classified as Pathogenic.

Center for Genomic Medicine, Rigshospitalet, Copenhagen University Hospital
Classification: Pathogenic. Last evaluated: 2025-12-29. Review status: criteria provided, single submitter. Criteria: ACMG Guidelines, 2015. Collection method: clinical testing. Allele origin: germline.

Center for Genomic Medicine, Rigshospitalet, Copenhagen University Hospital
Classification: Oncogenic for Neoplasm. Last evaluated: 2025-12-29. Review status: criteria provided, single submitter. Criteria: ClinGen/CGC/VICC Guidelines for Oncogenicity, 2022. Collection method: clinical testing. Allele origin: somatic. Affected: yes.

Genetics Laboratory, Great Ormond Street Hospital NHS Foundation Trust, North Thames Genomic Laboratory Hub
Classification: Pathogenic for Inherited renal cancer. Last evaluated: 2025-10-31. Review status: criteria provided, single submitter. Criteria: CanVIG Consensus Spec V3.0. Collection method: clinical testing. Allele origin: germline. Affected: yes.
Comment: PS4_moderate, PM2_supporting, PVS1_very-strong, PS3_supporting

PreventionGenetics, part of Exact Sciences
Classification: Pathogenic for FLCN-related condition. Last evaluated: 2025-09-30. Review status: criteria provided, single submitter. Criteria: ACMG Guidelines, 2015. Collection method: clinical testing. Allele origin: germline.
Comment: The FLCN c.1285dupC variant is predicted to result in a frameshift and premature protein termination (p.His429Profs*27). This variant has been reported to be causative for Birt-Hogg-Dubé syndrome (Khoo et al. 2002. PubMed ID: 12471204, listed as 1733insC; Nickerson et al. 2002. PubMed ID: 12204536; Nahorski et al. 2011. PubMed ID: 21538689; Luijten et al. 2013. PubMed ID: 23784378). This variant is reported in 0.044% of alleles in individuals of African descent in gnomAD. However, the quality of data at this genomic position is questionable and allele frequency data should be interpreted with caution. This variant been interpreted as pathogenic in ClinVar (Variation ID: 3363). Frameshift variants in FLCN are expected to be pathogenic. This variant is interpreted as pathogenic.